The following is an entry in ClinVar:

NM_000548.5(TSC2):c.1718C>T (p.Thr573Ile)

Gene: TSC2 (TSC complex subunit 2; plus strand). Cytogenetic location: 16p13.3.
Variant type: single nucleotide variant.
Coding change: c.1718C>T on transcript NM_000548.5 (MANE Select); coding-DNA position 1718, C replaced by T.
Protein change: p.Thr573Ile; replaces threonine 573 with isoleucine.
Molecular consequence: missense variant.
Genome position (GRCh38, 1-based): chr16:2,070,457, C>T. VCF-style: chr16-2070457-C-T. GRCh37 (hg19) VCF-style: chr16-2120458-C-T.
Other names: c.1718C>T, p.Thr573Ile (NM_001077183.3, NM_001114382.3, NM_001363528.2 and 3 more transcripts); c.1607C>T, p.Thr536Ile (NM_001318827.2); c.1571C>T, p.Thr524Ile (NM_001318829.2); c.1118C>T, p.Thr373Ile (NM_001318831.2); c.1751C>T, p.Thr584Ile (NM_001318832.2); short protein forms T573I, T373I, T536I, T584I, T524I.
Identifiers: ClinVar variation 406026 (VCV000406026.25), dbSNP rs773304374, ClinGen allele CA033135.

ClinVar aggregate classification (germline): Conflicting classifications of pathogenicity. Review status: criteria provided, conflicting classifications (1 of 4 stars). 8 submissions from 8 submitters: Uncertain significance (6); Likely benign (2). Last evaluated 2025-12-17.

Conditions:
Isolated focal cortical dysplasia type II (FCORD2). Also called: CORTICAL DYSPLASIA OF TAYLOR; Focal cortical dysplasia type II. Identifiers: Orphanet 268994, MedGen C1846385, MONDO:0011818, OMIM 607341, HP:0032051.
Lymphangiomyomatosis (LAM). Also called: Lymphangioleiomyomatosis, somatic; Lymphangioleiomyomatosis. Identifiers: Orphanet 538, MedGen C0751674, MONDO:0011705, OMIM 606690.
Tuberous sclerosis 2 (TSC2). Identifiers: Orphanet 805, MedGen C1860707, MONDO:0013199, OMIM 613254.
Hereditary cancer-predisposing syndrome. Also called: Tumor predisposition; Neoplastic Syndromes, Hereditary; Hereditary Cancer Syndrome; Hereditary neoplastic syndrome. Identifiers: Orphanet 140162, MedGen C0027672, MeSH D009386, MONDO:0015356.
Tuberous sclerosis syndrome (TSC). Also called: Tuberous Sclerosis Complex; Tuberous sclerosis. Identifiers: Orphanet 805, MedGen C0041341, MONDO:0001734.

Allele frequency attached by ClinVar (database versions not stated): gnomAD exomes below 0.00001 and 0.00001; ExAC 0.00001; gnomAD 0.00001; TOPMed 0.00002.
gnomAD v4.1: 5 of 1,613,274 alleles (0.00031%); highest among the groups gnomAD compares: African/African-American, 0.0027%; no homozygotes.

Submissions (8):

Labcorp Genetics (formerly Invitae), Labcorp
Classification: Likely benign for Tuberous sclerosis 2. Last evaluated: 2025-12-17. Review status: criteria provided, single submitter. Criteria: Invitae Variant Classification Sherloc (09022015). Collection method: clinical testing. Allele origin: germline.

Ambry Genetics
Classification: Likely benign for Hereditary cancer-predisposing syndrome. Last evaluated: 2025-09-24. Review status: criteria provided, single submitter. Criteria: Ambry Variant Classification Scheme 2023. Collection method: clinical testing. Allele origin: germline.

Color Diagnostics, LLC DBA Color Health
Classification: Uncertain significance for Tuberous sclerosis syndrome. Last evaluated: 2024-07-01. Review status: criteria provided, single submitter. Criteria: ACMG Guidelines, 2015. Collection method: clinical testing. Allele origin: germline.
Comment: This missense variant replaces threonine with isoleucine at codon 573 of the TSC2 protein. Computational prediction is inconclusive regarding the impact of this variant on protein structure and function. To our knowledge, functional studies have not been reported for this variant. This variant has not been reported in individuals affected with tuberous sclerosis complex in the literature. This variant has been identified in 2/282172 chromosomes in the general population by the Genome Aggregation Database (gnomAD). The available evidence is insufficient to determine the role of this variant in disease conclusively. Therefore, this variant is classified as a Variant of Uncertain Significance.

Fulgent Genetics
Classification: Uncertain significance for Lymphangiomyomatosis; Isolated focal cortical dysplasia type II; Tuberous sclerosis 2. Last evaluated: 2024-03-24. Review status: criteria provided, single submitter. Criteria: ACMG Guidelines, 2015. Collection method: clinical testing. Allele origin: germline.

All of Us Research Program, National Institutes of Health
Classification: Uncertain significance for Tuberous sclerosis syndrome. Last evaluated: 2023-12-01. Review status: criteria provided, single submitter. Criteria: ACMG Guidelines, 2015. Collection method: clinical testing. Allele origin: germline. Inheritance: Autosomal dominant inheritance. Observed: 3 variant alleles, 3 heterozygotes.
Comment: This missense variant replaces threonine with isoleucine at codon 573 of the TSC2 protein. Computational prediction is inconclusive regarding the impact of this variant on protein structure and function (internally defined REVEL score threshold 0.5 < inconclusive < 0.7, PMID: 27666373). To our knowledge, functional studies have not been reported for this variant. This variant has not been reported in individuals affected with tuberous sclerosis complex in the literature. This variant has been identified in 2/282172 chromosomes in the general population by the Genome Aggregation Database (gnomAD). The available evidence is insufficient to determine the role of this variant in disease conclusively. Therefore, this variant is classified as a Variant of Uncertain Significance.

This study involves interpretation of variants in research participants for the purpose of population health screening. Participant phenotype was not available at the time of variant classification. Additional details can be found in publication PMID: 35346344, PMCID: PMC8962531

GeneDx
Classification: Uncertain significance. Last evaluated: 2023-08-15. Review status: criteria provided, single submitter. Criteria: GeneDx Variant Classification Process June 2021. Collection method: clinical testing. Allele origin: germline. Affected: yes.
Comment: In silico analysis supports that this missense variant does not alter protein structure/function; Has not been previously published as pathogenic or benign to our knowledge

Sema4
Classification: Uncertain significance for Hereditary cancer-predisposing syndrome. Last evaluated: 2022-03-09. Review status: criteria provided, single submitter. Criteria: Sema4 Curation Guidelines. Collection method: curation. Allele origin: germline.
Comment: The TSC2 c.1718C>T (p.T573I) variant has not been reported in the literature to our knowledge. It was observed in 2/282172 chromosomes in the large and broad cohorts of the Genome Aggregation Database (PMID: 32461654). The variant has been reported in ClinVar (Variation ID 406026). Functional studies have not been performed, and in silico predictions of the variant's effect on protein function are inconclusive. The evidence is insufficient to meet ACMG/AMP criteria for classifying the variant as benign or pathogenic. Thus, the clinical significance of this variant is currently uncertain.

Genome-Nilou Lab
Classification: Uncertain significance for Tuberous sclerosis 2. Last evaluated: 2021-11-07. Review status: criteria provided, single submitter. Criteria: ACMG Guidelines, 2015. Collection method: clinical testing. Allele origin: germline. Affected: no.